The following is an entry in ClinVar:

NM_000059.4(BRCA2):c.8151C>T (p.Ala2717=)

Gene: BRCA2 (BRCA2 DNA repair associated; plus strand). Cytogenetic location: 13q13.1.
Variant type: single nucleotide variant.
Coding change: c.8151C>T on transcript NM_000059.4 (MANE Select); coding-DNA position 8151, C replaced by T.
Protein change: p.Ala2717=; no amino-acid change (alanine 2717 retained).
Molecular consequence: synonymous variant.
Genome position (GRCh38, 1-based): chr13:32,363,353, C>T. VCF-style: chr13-32363353-C-T. GRCh37 (hg19) VCF-style: chr13-32937490-C-T.
Identifiers: ClinVar variation 216261 (VCV000216261.15), dbSNP rs774808067, ClinGen allele CA338963.

ClinVar aggregate classification (germline): Likely benign. Review status: reviewed by expert panel (3 of 4 stars). 4 submissions from 4 submitters: Likely benign (1). 3 of the submissions do not count toward it. Last evaluated 2017-06-29.

Conditions:
Hereditary cancer-predisposing syndrome. Also called: Tumor predisposition; Hereditary Cancer Syndrome; Neoplastic Syndromes, Hereditary; Hereditary neoplastic syndrome. Identifiers: Orphanet 140162, MedGen C0027672, MeSH D009386, MONDO:0015356.
Hereditary breast ovarian cancer syndrome. Also called: Hereditary breast and/or ovarian cancer syndrome; BRCA1- and BRCA2-Associated Hereditary Breast and Ovarian Cancer; Hereditary breast and ovarian cancer; Hereditary breast and ovarian cancer syndrome (HBOC); Breast and ovarian cancer; Hereditary breast and ovarian cancer syndrome. Identifiers: Orphanet 145, MedGen C0677776, MeSH D061325, MONDO:0003582. Disease mechanism: loss of function.
Breast-ovarian cancer, familial, susceptibility to, 2 (BROVCA2). Also called: BRCA2 Hereditary Breast and Ovarian Cancer. Identifiers: Orphanet 145, MedGen C2675520, MONDO:0012933, OMIM 612555. Disease mechanism: loss of function.

Allele frequency attached by ClinVar (database versions not stated): gnomAD exomes below 0.00001; TOPMed below 0.00001; ExAC 0.00001; gnomAD 0.00001.
gnomAD v4.1: 3 of 1,613,952 alleles (0.00019%); highest among the groups gnomAD compares: African/African-American, 0.004%; 1 homozygote.

Submissions (4):

Evidence-based Network for the Interpretation of Germline Mutant Alleles (ENIGMA)
Classification: Likely benign for Breast-ovarian cancer, familial, susceptibility to, 2. Last evaluated: 2017-06-29. Review status: reviewed by expert panel. Criteria: ENIGMA BRCA1/2 Classification Criteria (2017-06-29). Collection method: curation. Allele origin: germline.
Comment: Synonymous substitution variant, with low bioinformatic likelihood to result in a splicing aberration (Splicing prior probability 0.02).

Labcorp Genetics (formerly Invitae), Labcorp
Classification: Likely benign for Hereditary breast ovarian cancer syndrome. Last evaluated: 2023-07-06. Review status: criteria provided, single submitter. Criteria: Invitae Variant Classification Sherloc (09022015). Collection method: clinical testing. Allele origin: germline. Not counted in ClinVar's aggregate classification.

Ambry Genetics
Classification: Likely benign for Hereditary cancer-predisposing syndrome. Last evaluated: 2022-01-10. Review status: criteria provided, single submitter. Criteria: Ambry Variant Classification Scheme 2023. Collection method: clinical testing. Allele origin: germline. Not counted in ClinVar's aggregate classification.

Color Diagnostics, LLC DBA Color Health
Classification: Likely benign for Hereditary cancer-predisposing syndrome. Last evaluated: 2016-11-11. Review status: criteria provided, single submitter. Criteria: ACMG Guidelines, 2015. Collection method: clinical testing. Allele origin: germline. Not counted in ClinVar's aggregate classification.